The following is an entry in ClinVar:

ClinVar aggregate classification (germline): Uncertain significance (1 of 4 stars; one submission).

Conditions:
Hereditary cancer-predisposing syndrome. Also called: Neoplastic Syndromes, Hereditary; Tumor predisposition; Hereditary Cancer Syndrome; Hereditary neoplastic syndrome. Identifiers: Orphanet 140162, MedGen C0027672, MeSH D009386, MONDO:0015356.

Submission:

Ambry Genetics
Classification: Uncertain significance for Hereditary cancer-predisposing syndrome. Last evaluated: 2024-10-24. Review status: criteria provided, single submitter. Criteria: Ambry Variant Classification Scheme 2023. Collection method: clinical testing. Allele origin: germline.
Comment: The p.T61K variant (also known as c.182C>A), located in coding exon 1 of the PHOX2B gene, results from a C to A substitution at nucleotide position 182. The threonine at codon 61 is replaced by lysine, an amino acid with similar properties. This amino acid position is conserved. In addition, the in silico prediction for this alteration is inconclusive. Based on the available evidence, the clinical significance of this variant remains unclear.

NM_003924.4(PHOX2B):c.182C>A (p.Thr61Lys)

Genes: PHOX2B-AS1 (PHOX2B antisense RNA 1; plus strand), PHOX2B (paired like homeobox 2B; minus strand). Cytogenetic location: 4p13.
Variant type: single nucleotide variant.
Coding change: c.182C>A on transcript NM_003924.4 (MANE Select); coding-DNA position 182, C replaced by A.
Protein change: p.Thr61Lys; replaces threonine 61 with lysine.
Molecular consequence: missense variant. On other transcripts: non-coding transcript variant (1).
Genome position (GRCh38, 1-based): chr4:41,748,429, G>T on the plus strand (C>A on the coding strand, the complement: PHOX2B is on the minus strand). VCF-style: chr4-41748429-G-T. GRCh37 (hg19) VCF-style: chr4-41750446-G-T.
Other names: short protein forms T61K.
Identifiers: ClinVar variation 3417952 (VCV003417952.1).